The following is an entry in ClinVar:

NM_001256789.3(CACNA1F):c.2288+5G>A

Gene: CACNA1F (calcium voltage-gated channel subunit alpha1 F; minus strand). Cytogenetic location: Xp11.23.
Variant type: single nucleotide variant.
Coding change: c.2288+5G>A on transcript NM_001256789.3 (MANE Select); 5 bases into the intron after coding-DNA position 2288, G replaced by A.
Molecular consequence: intron variant.
Genome position (GRCh38, 1-based): chrX:49,222,517, C>T on the plus strand (G>A on the coding strand, the complement: CACNA1F is on the minus strand). VCF-style: chrX-49222517-C-T. GRCh37 (hg19) VCF-style: chrX-49078976-C-T.
Other names: c.2321+5G>A (NM_005183.4); c.2126+5G>A (NM_001256790.3).
Identifiers: ClinVar variation 2771370 (VCV002771370.3), dbSNP rs2520960307, ClinGen allele CA2697553109.

ClinVar aggregate classification (germline): Uncertain significance (1 of 4 stars; one submission).

Submission:

Labcorp Genetics (formerly Invitae), Labcorp
Classification: Uncertain significance. Last evaluated: 2025-11-16. Review status: criteria provided, single submitter. Criteria: Invitae Variant Classification Sherloc (09022015). Collection method: clinical testing. Allele origin: germline.
Comment: This sequence change falls in intron 17 of the CACNA1F gene. It does not directly change the encoded amino acid sequence of the CACNA1F protein. It affects a nucleotide within the consensus splice site. This variant is not present in population databases (gnomAD no frequency). This variant has not been reported in the literature in individuals affected with CACNA1F-related conditions. ClinVar contains an entry for this variant (Variation ID: 2771370). Variants that disrupt the consensus splice site are a relatively common cause of aberrant splicing (PMID: 17576681, 9536098). Algorithms developed to predict the effect of sequence changes on RNA splicing suggest that this variant may disrupt the consensus splice site. In summary, the available evidence is currently insufficient to determine the role of this variant in disease. Therefore, it has been classified as a Variant of Uncertain Significance.

Literature cited by the submitters: PubMed 17576681; PubMed 9536098.